The following is an entry in ClinVar:

NM_000264.5(PTCH1):c.3371C>T (p.Ala1124Val)

Gene: PTCH1 (patched 1; minus strand). Cytogenetic location: 9q22.32.
Variant type: single nucleotide variant.
Coding change: c.3371C>T on transcript NM_000264.5 (MANE Select); coding-DNA position 3371, C replaced by T.
Protein change: p.Ala1124Val; replaces alanine 1124 with valine.
Molecular consequence: missense variant. On other transcripts: non-coding transcript variant (1).
Genome position (GRCh38, 1-based): chr9:95,453,556, G>A on the plus strand (C>T on the coding strand, the complement: PTCH1 is on the minus strand). VCF-style: chr9-95453556-G-A. GRCh37 (hg19) VCF-style: chr9-98215838-G-A.
Other names: c.3173C>T, p.Ala1058Val (NM_001083602.3); c.3368C>T, p.Ala1123Val (NM_001083603.3); c.2918C>T, p.Ala973Val (NM_001083604.3, NM_001083605.3, NM_001083606.3 and 1 more transcripts); c.3215C>T, p.Ala1072Val (NM_001354918.2); short protein forms A1072V, A1123V, A973V, A1124V, A1058V.
Identifiers: ClinVar variation 1404536 (VCV001404536.9), dbSNP rs374187104, ClinGen allele CA5138163.

ClinVar aggregate classification (germline): Conflicting classifications of pathogenicity. Review status: criteria provided, conflicting classifications (1 of 4 stars). 2 submissions from 2 submitters: Uncertain significance (1); Likely benign (1). Last evaluated 2025-10-26.

Conditions:
Gorlin syndrome. Also called: Nevoid Basal Cell Carcinoma Syndrome; Basal cell nevus syndrome. Identifiers: Orphanet 377, MedGen C0004779, MONDO:0007187.
Hereditary cancer-predisposing syndrome. Also called: Neoplastic Syndromes, Hereditary; Hereditary neoplastic syndrome; Hereditary Cancer Syndrome; Tumor predisposition. Identifiers: Orphanet 140162, MedGen C0027672, MeSH D009386, MONDO:0015356.

Allele frequency attached by ClinVar (database versions not stated): gnomAD exomes below 0.00001 and 0.00001; ExAC 0.00002; gnomAD 0.00003; TOPMed 0.00003; ESP Exome Variant Server 0.00008.
gnomAD v4.1: 5 of 1,613,978 alleles (0.00031%); highest among the groups gnomAD compares: African/African-American, 0.0067%; no homozygotes.

Submissions (2):

Ambry Genetics
Classification: Uncertain significance for Hereditary cancer-predisposing syndrome. Last evaluated: 2025-10-26. Review status: criteria provided, single submitter. Criteria: Ambry Variant Classification Scheme 2023. Collection method: clinical testing. Allele origin: germline.
Comment: The p.A1124V variant (also known as c.3371C>T), located in coding exon 20 of the PTCH1 gene, results from a C to T substitution at nucleotide position 3371. The alanine at codon 1124 is replaced by valine, an amino acid with similar properties. This amino acid position is highly conserved in available vertebrate species. In addition, this alteration is predicted to be deleterious by in silico analysis. Since supporting evidence is limited at this time, the clinical significance of this alteration remains unclear.

Labcorp Genetics (formerly Invitae), Labcorp
Classification: Likely benign for Gorlin syndrome. Last evaluated: 2025-05-19. Review status: criteria provided, single submitter. Criteria: Invitae Variant Classification Sherloc (09022015). Collection method: clinical testing. Allele origin: germline.